The following is an entry in ClinVar:

NM_001365951.3(KIF1B):c.2745G>A (p.Thr915=)

Genes: KIF1B (kinesin family member 1B; plus strand), LOC126805614 (BRD4-independent group 4 enhancer GRCh37_chr1:10385546-10386745; plus strand). Cytogenetic location: 1p36.22.
Variant type: single nucleotide variant.
Coding change: c.2745G>A on transcript NM_001365951.3 (MANE Select); coding-DNA position 2745, G replaced by A.
Protein change: p.Thr915=; no amino-acid change (threonine 915 retained).
Molecular consequence: synonymous variant.
Genome position (GRCh38, 1-based): chr1:10,326,180, G>A. VCF-style: chr1-10326180-G-A. GRCh37 (hg19) VCF-style: chr1-10386238-G-A.
Other names: c.2745G>A, p.Thr915= (NM_001365952.1); c.2607G>A, p.Thr869= (NM_015074.3).
Identifiers: ClinVar variation 3226407 (VCV003226407.1), dbSNP rs2521639342, ClinGen allele CA416034367.

ClinVar aggregate classification (germline): Uncertain significance (1 of 4 stars; one submission).

Submission:

Ambry Genetics
Classification: Uncertain significance. Last evaluated: 2023-11-15. Review status: criteria provided, single submitter. Criteria: Ambry Variant Classification Scheme 2023. Collection method: clinical testing. Allele origin: germline.
Comment: The c.2607G>A variant (also known as p.T869T), located in coding exon 24 of the KIF1B gene, results from a G to A substitution at nucleotide position 2607. This nucleotide substitution does not change the threonine at codon 869. This nucleotide position is well conserved in available vertebrate species. In silico splice site analysis predicts that this alteration will result in the creation or strengthening of a novel splice acceptor site. The evidence for this gene-disease relationship is limited; therefore, the clinical significance of this alteration is unclear.